The following is an entry in ClinVar:

ClinVar aggregate classification (germline): Uncertain significance (1 of 4 stars; one submission).

Submission:

Ambry Genetics
Classification: Uncertain significance. Last evaluated: 2025-10-10. Review status: criteria provided, single submitter. Criteria: Ambry Variant Classification Scheme 2023. Collection method: clinical testing. Allele origin: germline.
Comment: The p.R137P variant (also known as c.410G>C), located in coding exon 4 of the SRP72 gene, results from a G to C substitution at nucleotide position 410. The arginine at codon 137 is replaced by proline, an amino acid with dissimilar properties. This amino acid position is conserved. In addition, the in silico prediction for this alteration is inconclusive. Based on the available evidence, the clinical significance of this variant remains unclear.

NM_006947.4(SRP72):c.410G>C (p.Arg137Pro)

Gene: SRP72 (signal recognition particle 72; plus strand). Cytogenetic location: 4q12.
Variant type: single nucleotide variant.
Coding change: c.410G>C on transcript NM_006947.4 (MANE Select); coding-DNA position 410, G replaced by C.
Protein change: p.Arg137Pro; replaces arginine 137 with proline.
Molecular consequence: missense variant. On other transcripts: non-coding transcript variant (1).
Genome position (GRCh38, 1-based): chr4:56,474,109, G>C. VCF-style: chr4-56474109-G-C. GRCh37 (hg19) VCF-style: chr4-57340275-G-C.
Other names: c.410G>C, p.Arg137Pro (NM_001267722.2); short protein forms R137P.
Identifiers: ClinVar variation 4589598 (VCV004589598.1).